The following is an entry in ClinVar:

ClinVar aggregate classification (germline): Benign (1 of 4 stars; one submission).

Allele frequency attached by ClinVar (database versions not stated): 1000 Genomes Project 0.00060; 1000 Genomes Project 30x 0.00062; TOPMed 0.00110; gnomAD 0.00117; gnomAD exomes 0.00117.
gnomAD v4.1: 473 of 398,646 alleles (0.12%); highest among the groups gnomAD compares: Non-Finnish European, 0.18%; 2 homozygotes.

Submission:

CeGaT Center for Human Genetics Tuebingen
Classification: Benign. Last evaluated: 2026-03-01. Review status: criteria provided, single submitter. Criteria: CeGaT Center For Human Genetics Tuebingen Variant Classification Criteria Version 2. Collection method: clinical testing. Allele origin: germline. Affected: yes. Observed: 6 variant alleles.
Comment: KCNQ1OT1: BS1, BS2

NM_000218.3(KCNQ1):c.1514+24815T>C

Genes: KCNQ1 (potassium voltage-gated channel subfamily Q member 1; plus strand), KCNQ1OT1 (KCNQ1 opposite strand/antisense transcript 1; minus strand). Cytogenetic location: 11p15.5.
Variant type: single nucleotide variant.
Coding change: c.1514+24815T>C on transcript NM_000218.3 (MANE Select); 24815 bases into the intron after coding-DNA position 1514, T replaced by C.
Molecular consequence: intron variant. On other transcripts: non-coding transcript variant (1).
Genome position (GRCh38, 1-based): chr11:2,686,896, T>C. VCF-style: chr11-2686896-T-C. GRCh37 (hg19) VCF-style: chr11-2708126-T-C.
Other names: c.1244+24815T>C (NM_001406837.1); c.1418+24815T>C (NM_001406836.1); c.974+24815T>C (NM_001406838.1); c.1133+24815T>C (NM_181798.2).
Identifiers: ClinVar variation 2641485 (VCV002641485.24), dbSNP rs554990328, ClinGen allele CA216189406.